The following is an entry in ClinVar:

ClinVar aggregate classification (germline): Uncertain significance (1 of 4 stars; one submission).

gnomAD v4.1: 1 of 1,614,140 alleles (0.000062%); highest among the groups gnomAD compares: Non-Finnish European, 0.000085%; no homozygotes.

Submission:

GeneDx
Classification: Uncertain significance. Last evaluated: 2025-06-16. Review status: criteria provided, single submitter. Criteria: GeneDx Variant Classification Process June 2021. Collection method: clinical testing. Allele origin: germline. Affected: yes.
Comment: Not observed at significant frequency in large population cohorts (gnomAD); In silico analysis suggests that this missense variant does not alter protein structure/function; Has not been previously published as pathogenic or benign to our knowledge

NM_004958.4(MTOR):c.6123A>C (p.Glu2041Asp)

Gene: MTOR (mechanistic target of rapamycin kinase; minus strand). Cytogenetic location: 1p36.22.
Variant type: single nucleotide variant.
Coding change: c.6123A>C on transcript NM_004958.4 (MANE Select); coding-DNA position 6123, A replaced by C.
Protein change: p.Glu2041Asp; replaces glutamic acid 2041 with aspartic acid.
Molecular consequence: missense variant.
Genome position (GRCh38, 1-based): chr1:11,127,717, T>G on the plus strand (A>C on the coding strand, the complement: MTOR is on the minus strand). VCF-style: chr1-11127717-T-G. GRCh37 (hg19) VCF-style: chr1-11187774-T-G.
Other names: c.6123A>C, p.Glu2041Asp (NM_001386500.1); c.4875A>C, p.Glu1625Asp (NM_001386501.1); short protein forms E1625D, E2041D.
Identifiers: ClinVar variation 4538630 (VCV004538630.1).
Genomic context (GRCh38, chr1:11,127,717, plus strand): 5'-GCCCCGTTCCATCATAGCATGCAAGGGCTCCAGCACCTCAAACATGCCTTTCACGTTCCT[T>G]TCCCCAAAGTACAAACGAGATGCCTCTTCCAGGCCTTCATGCCACATCTCATGCCAGAGG-3'
Protein context (NP_004949.1, residues 2031-2051): LEEASRLYFG[Glu2041Asp]RNVKGMFEVL